The following is an entry in ClinVar:

NM_005476.7(GNE):c.1952T>G (p.Leu651Arg)

Gene: GNE (glucosamine (UDP-N-acetyl)-2-epimerase/N-acetylmannosamine kinase; minus strand). Cytogenetic location: 9p13.3.
Variant type: single nucleotide variant.
Coding change: c.1952T>G on transcript NM_005476.7 (MANE Select); coding-DNA position 1952, T replaced by G.
Protein change: p.Leu651Arg; replaces leucine 651 with arginine.
Molecular consequence: missense variant.
Genome position (GRCh38, 1-based): chr9:36,217,582, A>C on the plus strand (T>G on the coding strand, the complement: GNE is on the minus strand). VCF-style: chr9-36217582-A-C. GRCh37 (hg19) VCF-style: chr9-36217579-A-C.
Other names: c.2045T>G, p.Leu682Arg (NM_001128227.3); c.1730T>G, p.Leu577Arg (NM_001190383.3); c.1622T>G, p.Leu541Arg (NM_001190384.3); c.1775T>G, p.Leu592Arg (NM_001190388.2, NM_001374798.1); c.1799T>G, p.Leu600Arg (NM_001374797.1); short protein forms L541R, L577R, L592R, L600R, L651R, L682R.
Identifiers: ClinVar variation 4536699 (VCV004536699.1).
Genomic context (GRCh38, chr9:36,217,582, plus strand): 5'-AGGACTCCGGAGAGGATCACAAGGGAGGGATTCATGGTATGGAGGATGTTCACAACCCCA[A>C]GACCCAAAGCTGTTCCAGCTATAGGGAGACAAAAATTAAAATGAGTTTCTGAGAGAAGCC-3'
Protein context (NP_005467.1, residues 641-661): ILRTAGTALG[Leu651Arg]GVVNILHTMN

ClinVar aggregate classification (germline): Uncertain significance (1 of 4 stars; one submission).

gnomAD v4.1: 3 of 1,613,326 alleles (0.00019%); highest among the groups gnomAD compares: Non-Finnish European, 0.00025%; no homozygotes.

Submission:

Women's Health and Genetics/Laboratory Corporation of America, LabCorp
Classification: Uncertain significance. Last evaluated: 2025-11-14. Review status: criteria provided, single submitter. Criteria: LabCorp Variant Classification Summary - May 2015. Collection method: clinical testing. Allele origin: germline.
Comment: Variant summary: GNE c.2045T>G (p.Leu682Arg) results in a non-conservative amino acid change in the encoded protein sequence. Algorithms developed to predict the effect of missense changes on protein structure and function all suggest that this variant is likely to be disruptive. The frequency data for this variant in gnomAD is considered unreliable, as metrics indicate poor data quality at this position. c.2045T>G has been observed in an individual affected with Inclusion Body Myopathy 2 (Cerino_2015). These data do not allow any conclusion about variant significance. To our knowledge, no experimental evidence demonstrating an impact on protein function has been reported. The following publication have been ascertained in the context of this evaluation (PMID: 27858732). No submitters have cited clinical-significance assessments for this variant to ClinVar. Based on the evidence outlined above, the variant was classified as uncertain significance.

Literature cited by the submitters: PubMed 27858732.